The following is an entry in ClinVar:

ClinVar aggregate classification (germline): Benign. Review status: reviewed by expert panel (3 of 4 stars). 19 submissions from 18 submitters: Benign (1). 18 of the submissions do not count toward it. Last evaluated 2023-08-10.

Conditions:
CDH1-related diffuse gastric and lobular breast cancer syndrome. Also called: CDH1-related diffuse gastric and lobular breast cancer. Identifiers: MedGen CN311521, MONDO:0100488.
Hereditary cancer-predisposing syndrome. Also called: Hereditary Cancer Syndrome; Tumor predisposition; Hereditary neoplastic syndrome; Neoplastic Syndromes, Hereditary. Identifiers: Orphanet 140162, MedGen C0027672, MeSH D009386, MONDO:0015356.
Prostate cancer. Also called: Malignant tumor of prostate. Identifiers: Orphanet 1331, MedGen C0376358, MONDO:0008315, HP:0012125.
Hereditary diffuse gastric adenocarcinoma (HDGC). Also called: DIFFUSE GASTRIC AND LOBULAR BREAST CANCER SYNDROME. Identifiers: Orphanet 26106, MedGen C1708349, MONDO:0007648, OMIM 137215.
Malignant tumor of breast. Also called: Malignant breast neoplasm; Cancer breast. Identifiers: MedGen C0006142, MONDO:0007254. Disease mechanism: loss of function.

Allele frequency attached by ClinVar (database versions not stated): 1000 Genomes Project 0.01797; gnomAD 0.03809 and 0.03907; ExAC 0.03828; gnomAD exomes 0.05401 and 0.03852; 1000 Genomes Project 30x 0.01843; TOPMed 0.03435; ESP Exome Variant Server 0.03855.
gnomAD v4.1: 84,447 of 1,613,946 alleles (5.2%); highest among the groups gnomAD compares: Non-Finnish European, 6.1%; 2,615 homozygotes.

Submissions (19):

Clingen Gastric Cancer Variant Curation Expert Panel
Classification: Benign for CDH1-related diffuse gastric and lobular breast cancer syndrome. Last evaluated: 2023-08-10. Review status: reviewed by expert panel. Criteria: ClinGen CDH1 ACMG Specifications V3.1. Collection method: curation. Allele origin: germline. Inheritance: Autosomal dominant inheritance.
Comment: The NM_004360.5(CDH1):c.531+10G>C variant has an allele frequency of 0.05787 (5.787%, 1453/25106 alleles, 39 homozygotes) in the African subpopulation of the gnomAD v2.1.1 cohort (BA1; BP2). Therefore, this variant meets criteria to be classified as benign. ACMG/AMP criteria applied, as specified by the CDH1 Variant Curation Expert Panel (Variant Interpretation Guidelines Version 3.1): BA1, BP2.

Labcorp Genetics (formerly Invitae), Labcorp
Classification: Benign for Hereditary diffuse gastric adenocarcinoma. Last evaluated: 2026-02-04. Review status: criteria provided, single submitter. Criteria: Invitae Variant Classification Sherloc (09022015). Collection method: clinical testing. Allele origin: germline. Not counted in ClinVar's aggregate classification.

ARUP Laboratories, Molecular Genetics and Genomics, ARUP Laboratories
Classification: Benign. Last evaluated: 2025-07-30. Review status: criteria provided, single submitter. Criteria: ARUP Molecular Germline Variant Investigation Process 2024. Collection method: clinical testing. Allele origin: germline. Not counted in ClinVar's aggregate classification.

Center for Genomic Medicine, Rigshospitalet, Copenhagen University Hospital
Classification: Benign. Last evaluated: 2025-03-04. Review status: criteria provided, single submitter. Criteria: ACMG Guidelines, 2015. Collection method: clinical testing. Allele origin: germline. Not counted in ClinVar's aggregate classification.

KCCC/NGS Laboratory, Kuwait Cancer Control Center
Classification: Benign for Hereditary diffuse gastric adenocarcinoma. Last evaluated: 2025-02-01. Review status: criteria provided, single submitter. Criteria: ACMG Guidelines, 2015. Collection method: clinical testing. Allele origin: germline. Affected: no. Not counted in ClinVar's aggregate classification.

Blueprint Genetics
Classification: Benign. Last evaluated: 2024-11-27. Review status: criteria provided, single submitter. Criteria: ACMG Guidelines, 2015. Collection method: clinical testing. Allele origin: germline. Not counted in ClinVar's aggregate classification.

Myriad Genetics, Inc.
Classification: Benign for Hereditary diffuse gastric adenocarcinoma. Last evaluated: 2024-09-13. Review status: criteria provided, single submitter. Criteria: Myriad Autosomal Dominant, Autosomal Recessive and X-Linked Classification Criteria (2023). Collection method: clinical testing. Allele origin: unknown. Not counted in ClinVar's aggregate classification.
Comment: This variant is considered benign. This variant is intronic and is not expected to impact mRNA splicing.

KCCC/NGS Laboratory, Kuwait Cancer Control Center
Classification: Benign for Familial prostate cancer. Last evaluated: 2023-07-07. Review status: criteria provided, single submitter. Criteria: ACMG Guidelines, 2015. Collection method: clinical testing. Allele origin: germline. Affected: yes. Not counted in ClinVar's aggregate classification.

Illumina Laboratory Services, Illumina
Classification: Benign for Hereditary diffuse gastric adenocarcinoma. Last evaluated: 2018-01-13. Review status: criteria provided, single submitter. Criteria: ICSL Variant Classification Criteria 13 December 2019. Collection method: clinical testing. Allele origin: germline. Not counted in ClinVar's aggregate classification.
Comment: This variant was observed in the ICSL laboratory as part of a predisposition screen in an ostensibly healthy population. It had not been previously curated by ICSL or reported in the Human Gene Mutation Database (HGMD: prior to June 1st, 2018), and was therefore a candidate for classification through an automated scoring system. Utilizing variant allele frequency, disease prevalence and penetrance estimates, and inheritance mode, an automated score was calculated to assess if this variant is too frequent to cause the disease. Based on the score and internal cut-off values, a variant classified as benign is not then subjected to further curation. The score for this variant resulted in a classification of benign for this disease.

GeneDx
Classification: Benign. Last evaluated: 2015-03-03. Review status: criteria provided, single submitter. Criteria: GeneDx Variant Classification Process June 2021. Collection method: clinical testing. Allele origin: germline. Affected: yes. Not counted in ClinVar's aggregate classification.

Color Diagnostics, LLC DBA Color Health
Classification: Benign for Hereditary cancer-predisposing syndrome. Last evaluated: 2014-12-10. Review status: criteria provided, single submitter. Criteria: ACMG Guidelines, 2015. Collection method: clinical testing. Allele origin: germline. Not counted in ClinVar's aggregate classification.

Ambry Genetics
Classification: Benign for Hereditary cancer-predisposing syndrome. Last evaluated: 2014-11-18. Review status: criteria provided, single submitter. Criteria: Ambry Variant Classification Scheme 2023. Collection method: clinical testing. Allele origin: germline. Not counted in ClinVar's aggregate classification.

Breakthrough Genomics
Classification: Benign. Review status: criteria provided, single submitter. Criteria: ACMG Guidelines, 2015. Collection method: not provided. Allele origin: germline. Inheritance: Autosomal dominant inheritance. Affected: yes. Not counted in ClinVar's aggregate classification.

PreventionGenetics, part of Exact Sciences
Classification: Benign. Review status: criteria provided, single submitter. Criteria: ACMG Guidelines, 2015. Collection method: clinical testing. Allele origin: germline. Not counted in ClinVar's aggregate classification.

Clinical Genetics, Academic Medical Center
Classification: Benign. Review status: no assertion criteria provided. Collection method: clinical testing. Allele origin: germline. Affected: yes. Study: VKGL Data-share Consensus. Not counted in ClinVar's aggregate classification.

Department of Pathology and Laboratory Medicine, Sinai Health System
Classification: Benign for Malignant tumor of breast. Review status: no assertion criteria provided. Collection method: clinical testing. Allele origin: unknown. Affected: yes. Study: The Canadian Open Genetics Repository (COGR). Not counted in ClinVar's aggregate classification.
Comment: CDH1, EXON4, c.531+10G>C, p.?, Heterozygous, BenignrnThe CDH1 c.531+10G>C variant was identified in 7 of 194 proband chromosomes (frequency: 0.036) from individuals or families with gastric cancer and colorectal cancer, but the variant was classified as a benign polymorphism in these studies (Berx 1997, Oliveira 2002, Verma 2001). The variant was also identified in dbSNP (rs: rs33963999) as other, ClinVar 5x (classified as benign by multiple submitters), and the Zhejiang Colon Cancer Database (3x). The variant was not identified in Cosmic, MutDB, or Insight Colon Cancer Gene Variant Database. The variant was identified in control databases in 10752 of 276938 chromosomes at a frequency of 0.0388 increasing the likelihood this could be a low frequency benign variant (Genome Aggregation Consortium Feb 27, 2017). The variant was identified in the following populations at a frequency greater than 1%: European (Finnish) in 1496 (42 homozygous) of 25776 chromosomes (freq: 0.058), European (Non-Finnish) in 6956 (196 homozygous) of 126510 chromosomes (freq: 0.055), Ashkenazi Jewish* in 404 (11 homozygous) of 10146 chromosomes (freq: 0.04), Other in 245 (8 homozygous) of 6458 chromosomes (freq: 0.038), Latino in 750 (13 homozygous) of 34410 chromosomes (freq: 0.022), South Asian in 665 (12 homozygous) of 30780 chromosomes (freq: 0.022). The variant occurs outside of the splicing consensus sequence and in silico or computational prediction software programs (SpliceSiteFinder, MaxEntScan, NNSPLICE, GeneSplicer, HumanSpliceFinder) do not predict a difference in splicing. In summary, based on the above information this variant meets our laboratory's criteria to be classified as benign.

Genome Diagnostics Laboratory, University Medical Center Utrecht
Classification: Benign. Review status: no assertion criteria provided. Collection method: clinical testing. Allele origin: germline. Affected: yes. Study: VKGL Data-share Consensus. Not counted in ClinVar's aggregate classification.

Joint Genome Diagnostic Labs from Nijmegen and Maastricht, Radboudumc and MUMC+
Classification: Benign. Review status: no assertion criteria provided. Collection method: clinical testing. Allele origin: germline. Affected: yes. Study: VKGL Data-share Consensus. Not counted in ClinVar's aggregate classification.

Mayo Clinic Laboratories, Mayo Clinic
Classification: Benign. Review status: no assertion criteria provided. Collection method: clinical testing. Allele origin: unknown. Not counted in ClinVar's aggregate classification.

NM_004360.5(CDH1):c.531+10G>C

Gene: CDH1 (cadherin 1; plus strand). Cytogenetic location: 16q22.1.
Variant type: single nucleotide variant.
Coding change: c.531+10G>C on transcript NM_004360.5 (MANE Select); 10 bases into the intron after coding-DNA position 531, G replaced by C.
Molecular consequence: intron variant.
Genome position (GRCh38, 1-based): chr16:68,808,577, G>C. VCF-style: chr16-68808577-G-C. GRCh37 (hg19) VCF-style: chr16-68842480-G-C.
Other names: c.-1085+10G>C (NM_001317185.2); c.-1289+10G>C (NM_001317186.2); c.531+10G>C (NM_001317184.2, LRG_301t1).
Identifiers: ClinVar variation 132692 (VCV000132692.53), dbSNP rs33963999, ClinGen allele CA169542.